The following is an entry in ClinVar:

ClinVar aggregate classification (germline): Likely benign (1 of 4 stars; one submission).

Allele frequency attached by ClinVar (database versions not stated): gnomAD 0.00795; 1000 Genomes Project 30x 0.01046; 1000 Genomes Project 0.01078.
gnomAD v4.1: 1,713 of 712,428 alleles (0.24%); highest among the groups gnomAD compares: African/African-American, 2.8%; 21 homozygotes.

Submission:

GeneDx
Classification: Likely benign. Last evaluated: 2022-02-24. Review status: criteria provided, single submitter. Criteria: GeneDx Variant Classification Process June 2021. Collection method: clinical testing. Allele origin: germline. Affected: yes.
Comment: See Variant Classification Assertion Criteria.

NM_014290.3(TDRD7):c.2080-146C>T

Gene: TDRD7 (tudor domain containing 7; plus strand). Cytogenetic location: 9q22.33.
Variant type: single nucleotide variant.
Coding change: c.2080-146C>T on transcript NM_014290.3 (MANE Select); 146 bases into the intron before coding-DNA position 2080, C replaced by T.
Molecular consequence: intron variant.
Genome position (GRCh38, 1-based): chr9:97,475,237, C>T. VCF-style: chr9-97475237-C-T. GRCh37 (hg19) VCF-style: chr9-100237519-C-T.
Other names: c.1858-146C>T (NM_001302884.2).
Identifiers: ClinVar variation 2575721 (VCV002575721.1), dbSNP rs115372789, ClinGen allele CA196712270.